The following is an entry in ClinVar:

ClinVar aggregate classification (germline): Uncertain significance (1 of 4 stars; one submission).

gnomAD v4.1: 1 of 1,614,176 alleles (0.000062%); highest among the groups gnomAD compares: Admixed American, 0.0017%; no homozygotes.

Submission:

Labcorp Genetics (formerly Invitae), Labcorp
Classification: Uncertain significance. Last evaluated: 2022-08-05. Review status: criteria provided, single submitter. Criteria: Invitae Variant Classification Sherloc (09022015). Collection method: clinical testing. Allele origin: germline.
Comment: In summary, the available evidence is currently insufficient to determine the role of this variant in disease. Therefore, it has been classified as a Variant of Uncertain Significance. Algorithms developed to predict the effect of missense changes on protein structure and function are either unavailable or do not agree on the potential impact of this missense change (SIFT: "Tolerated"; PolyPhen-2: "Possibly Damaging"; Align-GVGD: "Class C0"). This variant has not been reported in the literature in individuals affected with SPEG-related conditions. This variant is not present in population databases (gnomAD no frequency). This sequence change replaces arginine, which is basic and polar, with serine, which is neutral and polar, at codon 1643 of the SPEG protein (p.Arg1643Ser).

NM_005876.5(SPEG):c.4927C>A (p.Arg1643Ser)

Gene: SPEG (striated muscle enriched protein kinase; plus strand). Cytogenetic location: 2q35.
Variant type: single nucleotide variant.
Coding change: c.4927C>A on transcript NM_005876.5 (MANE Select); coding-DNA position 4927, C replaced by A.
Protein change: p.Arg1643Ser; replaces arginine 1643 with serine.
Molecular consequence: missense variant.
Genome position (GRCh38, 1-based): chr2:219,478,005, C>A. VCF-style: chr2-219478005-C-A. GRCh37 (hg19) VCF-style: chr2-220342727-C-A.
Other names: short protein forms R1643S.
Identifiers: ClinVar variation 1949730 (VCV001949730.3), dbSNP rs570861370, ClinGen allele CA350685332.